The following is an entry in ClinVar:

NM_001330260.2(SCN8A):c.3229T>C (p.Tyr1077His)

Gene: SCN8A (sodium voltage-gated channel alpha subunit 8; plus strand). Cytogenetic location: 12q13.13.
Variant type: single nucleotide variant.
Coding change: c.3229T>C on transcript NM_001330260.2 (MANE Select); coding-DNA position 3229, T replaced by C.
Protein change: p.Tyr1077His; replaces tyrosine 1077 with histidine.
Molecular consequence: missense variant.
Genome position (GRCh38, 1-based): chr12:51,769,192, T>C. VCF-style: chr12-51769192-T-C. GRCh37 (hg19) VCF-style: chr12-52162976-T-C.
Other names: c.3229T>C, p.Tyr1077His (NM_001177984.3, NM_001369788.1, NM_014191.4); short protein forms Y1077H.
Identifiers: ClinVar variation 2570830 (VCV002570830.27), dbSNP rs2540266845, ClinGen allele CA384893107.

ClinVar aggregate classification (germline): Uncertain significance (1 of 4 stars; one submission).

Allele frequency attached by ClinVar (database versions not stated): gnomAD exomes below 0.00001.
gnomAD v4.1: 1 of 1,613,862 alleles (0.000062%); highest among the groups gnomAD compares: Non-Finnish European, 0.000085%; no homozygotes.

Submission:

CeGaT Center for Human Genetics Tuebingen
Classification: Uncertain significance. Last evaluated: 2023-05-01. Review status: criteria provided, single submitter. Criteria: CeGaT Center For Human Genetics Tuebingen Variant Classification Criteria Version 2. Collection method: clinical testing. Allele origin: germline. Affected: yes. Observed: 1 variant allele.
Comment: SCN8A: PM2, PP2, PP3